The following is an entry in ClinVar:

NM_001943.5(DSG2):c.1880-17A>G

Gene: DSG2 (desmoglein 2; plus strand). Cytogenetic location: 18q12.1.
Variant type: single nucleotide variant.
Coding change: c.1880-17A>G on transcript NM_001943.5 (MANE Select); 17 bases into the intron before coding-DNA position 1880, A replaced by G.
Molecular consequence: intron variant.
Genome position (GRCh38, 1-based): chr18:31,541,176, A>G. VCF-style: chr18-31541176-A-G. GRCh37 (hg19) VCF-style: chr18-29121139-A-G.
Identifiers: ClinVar variation 1499443 (VCV001499443.4), dbSNP rs1295022734, ClinGen allele CA2573155324.
Genomic context (GRCh38, chr18:31,541,176, plus strand): 5'-ATTCCAAAATTGTGCAATATAAATTTAGAAATATATCAAGGTTAACCTTATCTGTGTTCA[A>G]TTTTGTGTCTGTACAGTGGTACCACTTTTACTGCTGATGTGCCATTGCGGAAAGGGCGCC-3'

ClinVar aggregate classification (germline): Uncertain significance (1 of 4 stars; one submission).

Conditions:
Arrhythmogenic right ventricular dysplasia 10. Also called: Arrhythmogenic Right Ventricular Dysplasia/Cardiomyopathy10; ARRHYTHMOGENIC RIGHT VENTRICULAR DYSPLASIA, FAMILIAL, 10; Arrhythmogenic right ventricular dysplasia/cardiomyopathy, type 10. Identifiers: MedGen C1857777, MONDO:0012434, OMIM 610193.

Allele frequency attached by ClinVar (database versions not stated): gnomAD exomes 0.00001.
gnomAD v4.1: 9 of 1,614,140 alleles (0.00056%); highest among the groups gnomAD compares: East Asian, 0.0022%; no homozygotes.

Submission:

Labcorp Genetics (formerly Invitae), Labcorp
Classification: Uncertain significance for Arrhythmogenic right ventricular dysplasia 10. Last evaluated: 2024-01-27. Review status: criteria provided, single submitter. Criteria: Invitae Variant Classification Sherloc (09022015). Collection method: clinical testing. Allele origin: germline.
Comment: This sequence change falls in intron 12 of the DSG2 gene. It does not directly change the encoded amino acid sequence of the DSG2 protein. This variant is not present in population databases (gnomAD no frequency). This variant has not been reported in the literature in individuals affected with DSG2-related conditions. ClinVar contains an entry for this variant (Variation ID: 1499443). Algorithms developed to predict the effect of sequence changes on RNA splicing suggest that this variant may disrupt the consensus splice site. In summary, the available evidence is currently insufficient to determine the role of this variant in disease. Therefore, it has been classified as a Variant of Uncertain Significance.